The following is an entry in ClinVar:

NM_024409.4(NPPC):c.218G>A (p.Arg73Gln)

Gene: NPPC (natriuretic peptide C; minus strand). Cytogenetic location: 2q37.1.
Variant type: single nucleotide variant.
Coding change: c.218G>A on transcript NM_024409.4 (MANE Select); coding-DNA position 218, G replaced by A.
Protein change: p.Arg73Gln; replaces arginine 73 with glutamine.
Molecular consequence: missense variant.
Genome position (GRCh38, 1-based): chr2:231,925,588, C>T on the plus strand (G>A on the coding strand, the complement: NPPC is on the minus strand). VCF-style: chr2-231925588-C-T. GRCh37 (hg19) VCF-style: chr2-232790298-C-T.
Other names: short protein forms R73Q.
Identifiers: ClinVar variation 4704781 (VCV004704781.1).
Genomic context (GRCh38, chr2:231,925,588, plus strand): 5'-GGGTGCTCTTGCAGAAGGCGAGCCCACGCTGCCCGCGACTTGGTGTCCACGCGCAGGTCC[C>T]GGAGCAGTCGCGACCGGTCGCCCTTGAGATTGGCGCCCCCGCCCCCGGGAGCCTTGTCGC-3'
Protein context (NP_077720.1, residues 63-83): NLKGDRSRLL[Arg73Gln]DLRVDTKSRA

ClinVar aggregate classification (germline): Uncertain significance (1 of 4 stars; one submission).

Submission:

Labcorp Genetics (formerly Invitae), Labcorp
Classification: Uncertain significance. Last evaluated: 2025-09-30. Review status: criteria provided, single submitter. Criteria: Invitae Variant Classification Sherloc (09022015). Collection method: clinical testing. Allele origin: germline.
Comment: This sequence change replaces arginine, which is basic and polar, with glutamine, which is neutral and polar, at codon 73 of the NPPC protein (p.Arg73Gln). This variant is present in population databases (rs746910342, gnomAD 0.01%). This variant has not been reported in the literature in individuals affected with NPPC-related conditions. An algorithm developed to predict the effect of missense changes on protein structure and function (PolyPhen-2) suggests that this variant is likely to be tolerated. In summary, the available evidence is currently insufficient to determine the role of this variant in disease. Therefore, it has been classified as a Variant of Uncertain Significance.